The following is an entry in ClinVar:

NM_000093.5(COL5A1):c.2031G>A (p.Glu677=)

Gene: COL5A1 (collagen type V alpha 1 chain; plus strand). Cytogenetic location: 9q34.3.
Variant type: single nucleotide variant.
Coding change: c.2031G>A on transcript NM_000093.5 (MANE Select); coding-DNA position 2031, G replaced by A.
Protein change: p.Glu677=; no amino-acid change (glutamic acid 677 retained).
Molecular consequence: synonymous variant.
Genome position (GRCh38, 1-based): chr9:134,763,734, G>A. VCF-style: chr9-134763734-G-A. GRCh37 (hg19) VCF-style: chr9-137655580-G-A.
Other names: p.E677E:GAG>GAA; c.2031G>A, p.Glu677= (NM_001278074.1).
Identifiers: ClinVar variation 212889 (VCV000212889.62), dbSNP rs61737719, ClinGen allele CA322333.

ClinVar aggregate classification (germline): Benign/Likely benign. Review status: criteria provided, multiple submitters, no conflicts (2 of 4 stars). 16 submissions from 15 submitters: Benign (7); Likely benign (7). 2 of the submissions do not count toward it. Last evaluated 2026-09-21.

Conditions:
Ehlers-Danlos syndrome, classic type, 1 (EDSCL1). Also called: EHLERS-DANLOS SYNDROME, GRAVIS TYPE; EHLERS-DANLOS SYNDROME, SEVERE CLASSIC TYPE; Ehlers-Danlos syndrome, type 1; Ehlers-Danlos Syndrome, Classic Type, COL5A1-Related; EDS I. Identifiers: MedGen C0268335, MONDO:0019567, OMIM 130000.
Fibromuscular dysplasia, multifocal. Identifiers: MedGen C5543412, MONDO:0859151, OMIM 619329.
Ehlers-Danlos syndrome (EDS). Identifiers: Orphanet 98249, MedGen C0013720, MONDO:0020066.
Familial thoracic aortic aneurysm and aortic dissection (TAAD). Also called: Thoracic aortic aneurysms and dissections. Identifiers: Orphanet 91387, MedGen C4707243, MONDO:0019625.
Ehlers-Danlos syndrome, classic type (cEDS). Identifiers: Orphanet 287, MedGen C4225429, MONDO:0007522.

Allele frequency attached by ClinVar (database versions not stated): ESP Exome Variant Server 0.00008; gnomAD 0.00062 and 0.00064; TOPMed 0.00073; ExAC 0.00075; 1000 Genomes Project 30x 0.00078; 1000 Genomes Project 0.00080.
gnomAD v4.1: 1,097 of 1,613,668 alleles (0.068%); highest among the groups gnomAD compares: East Asian, 0.31%; 1 homozygote.

Submissions (16):

Molecular Diagnostic Laboratory for Inherited Cardiovascular Disease, Montreal Heart Institute
Classification: Likely benign. Last evaluated: 2026-09-21. Review status: criteria provided, single submitter. Criteria: ACMG Guidelines, 2015. Collection method: clinical testing. Allele origin: germline. Affected: no.
Comment: BS1;BP7

Labcorp Genetics (formerly Invitae), Labcorp
Classification: Benign for Ehlers-Danlos syndrome, classic type, 1. Last evaluated: 2026-01-27. Review status: criteria provided, single submitter. Criteria: Invitae Variant Classification Sherloc (09022015). Collection method: clinical testing. Allele origin: germline.

CeGaT Center for Human Genetics Tuebingen
Classification: Likely benign. Last evaluated: 2025-12-01. Review status: criteria provided, single submitter. Criteria: CeGaT Center For Human Genetics Tuebingen Variant Classification Criteria Version 2. Collection method: clinical testing. Allele origin: germline. Affected: yes. Observed: 2 variant alleles.
Comment: COL5A1: BP4, BP7, BS1

Women's Health and Genetics/Laboratory Corporation of America, LabCorp
Classification: Benign. Last evaluated: 2025-02-18. Review status: criteria provided, single submitter. Criteria: LabCorp Variant Classification Summary - May 2015. Collection method: clinical testing. Allele origin: germline.

Laboratory of Genetics, Children's Clinical University Hospital Latvia
Classification: Likely benign. Last evaluated: 2025-02-16. Review status: criteria provided, single submitter. Criteria: ACMG Guidelines, 2015. Collection method: clinical testing. Allele origin: germline. Affected: yes.

Blueprint Genetics
Classification: Likely benign. Last evaluated: 2024-10-07. Review status: criteria provided, single submitter. Criteria: ACMG Guidelines, 2015. Collection method: clinical testing. Allele origin: germline.

ARUP Laboratories, Molecular Genetics and Genomics, ARUP Laboratories
Classification: Benign. Last evaluated: 2024-08-19. Review status: criteria provided, single submitter. Criteria: ARUP Molecular Germline Variant Investigation Process 2024. Collection method: clinical testing. Allele origin: germline.

Fulgent Genetics
Classification: Likely benign for Ehlers-Danlos syndrome, classic type, 1; Fibromuscular dysplasia, multifocal. Last evaluated: 2022-05-12. Review status: criteria provided, single submitter. Criteria: ACMG Guidelines, 2015. Collection method: clinical testing. Allele origin: unknown.

Genome-Nilou Lab
Classification: Benign for Ehlers-Danlos syndrome, classic type, 1. Last evaluated: 2022-03-15. Review status: criteria provided, single submitter. Criteria: ACMG Guidelines, 2015. Collection method: clinical testing. Allele origin: germline. Affected: no.

Genome-Nilou Lab
Classification: Benign for Fibromuscular dysplasia, multifocal. Last evaluated: 2022-03-15. Review status: criteria provided, single submitter. Criteria: ACMG Guidelines, 2015. Collection method: clinical testing. Allele origin: germline. Affected: no.

Genome Diagnostics Laboratory, The Hospital for Sick Children
Classification: Likely benign for Ehlers-Danlos syndrome. Last evaluated: 2021-01-08. Review status: criteria provided, single submitter. Criteria: ACMG Guidelines, 2015. Collection method: clinical testing. Allele origin: germline.

Illumina Laboratory Services, Illumina
Classification: Benign for Ehlers-Danlos syndrome, classic type, 1. Last evaluated: 2018-01-12. Review status: criteria provided, single submitter. Criteria: ICSL Variant Classification Criteria 13 December 2019. Collection method: clinical testing. Allele origin: germline.
Comment: This variant was observed in the ICSL laboratory as part of a predisposition screen in an ostensibly healthy population. It had not been previously curated by ICSL or reported in the Human Gene Mutation Database (HGMD: prior to June 1st, 2018), and was therefore a candidate for classification through an automated scoring system. Utilizing variant allele frequency, disease prevalence and penetrance estimates, and inheritance mode, an automated score was calculated to assess if this variant is too frequent to cause the disease. Based on the score and internal cut-off values, a variant classified as benign is not then subjected to further curation. The score for this variant resulted in a classification of benign for this disease.

Ambry Genetics
Classification: Likely benign for Familial thoracic aortic aneurysm and aortic dissection. Last evaluated: 2017-03-09. Review status: criteria provided, single submitter. Criteria: Ambry Variant Classification Scheme 2023. Collection method: clinical testing. Allele origin: germline.

GeneDx
Classification: Benign. Last evaluated: 2014-10-06. Review status: criteria provided, single submitter. Criteria: GeneDx Variant Classification (06012015). Collection method: clinical testing. Allele origin: germline. Affected: yes.
Comment: This variant is considered likely benign or benign based on one or more of the following criteria: it is a conservative change, it occurs at a poorly conserved position in the protein, it is predicted to be benign by multiple in silico algorithms, and/or has population frequency not consistent with disease.

Clinical Genetics DNA and cytogenetics Diagnostics Lab, Erasmus MC, Erasmus Medical Center
Classification: Likely benign. Review status: no assertion criteria provided. Collection method: clinical testing. Allele origin: germline. Affected: yes. Study: VKGL Data-share Consensus. Not counted in ClinVar's aggregate classification.

Genome Diagnostics Laboratory, Amsterdam University Medical Center
Classification: Likely benign. Review status: no assertion criteria provided. Collection method: clinical testing. Allele origin: germline. Affected: yes. Study: VKGL Data-share Consensus. Not counted in ClinVar's aggregate classification.